The following is an entry in ClinVar:

NM_018662.3(DISC1):c.1981+36262A>G

Genes: DISC1 (DISC1 scaffold protein; plus strand), TSNAX-DISC1 (TSNAX-DISC1 readthrough (NMD candidate); plus strand). Cytogenetic location: 1q42.2.
Variant type: single nucleotide variant.
Coding change: c.1981+36262A>G on transcript NM_018662.3 (MANE Select); 36262 bases into the intron after coding-DNA position 1981, A replaced by G.
Molecular consequence: intron variant. On other transcripts: synonymous variant (1).
Genome position (GRCh38, 1-based): chr1:231,854,779, A>G. VCF-style: chr1-231854779-A-G. GRCh37 (hg19) VCF-style: chr1-231990525-A-G.
Other names: c.2022A>G, p.Val674= (NM_001164539.2); c.2077+36262A>G (NM_001164537.2); c.1981+36262A>G (NM_001012957.2, NM_001164538.2, NM_001164541.2 and 1 more transcripts); c.1615+36262A>G (NM_001164540.2); c.1634+83709A>G (NM_001164547.2, NM_001164546.2); c.1982-11744A>G (NM_001012959.2).
Identifiers: ClinVar variation 3771737 (VCV003771737.13).

ClinVar aggregate classification (germline): Likely benign (1 of 4 stars; one submission).

Submission:

CeGaT Center for Human Genetics Tuebingen
Classification: Likely benign. Last evaluated: 2025-02-01. Review status: criteria provided, single submitter. Criteria: CeGaT Center For Human Genetics Tuebingen Variant Classification Criteria Version 2. Collection method: clinical testing. Allele origin: germline. Affected: yes. Observed: 1 variant allele.
Comment: DISC1: PM2:Supporting, BP4, BP7